The following is an entry in ClinVar:

NM_153252.5(BRWD3):c.4234-13T>G

Gene: BRWD3 (bromodomain and WD repeat domain containing 3; minus strand). Cytogenetic location: Xq21.1.
Variant type: single nucleotide variant.
Coding change: c.4234-13T>G on transcript NM_153252.5 (MANE Select); 13 bases into the intron before coding-DNA position 4234, T replaced by G.
Molecular consequence: intron variant.
Genome position (GRCh38, 1-based): chrX:80,682,641, A>C on the plus strand (T>G on the coding strand, the complement: BRWD3 is on the minus strand). VCF-style: chrX-80682641-A-C. GRCh37 (hg19) VCF-style: chrX-79938140-A-C.
Identifiers: ClinVar variation 3363964 (VCV003363964.1).
Genomic context (GRCh38, chrX:80,682,641, plus strand): 5'-GATATGACTTTCAAATAAGGCAGATAATCGCAGCATCATGCTATAGATCTGAGAAGGCAG[A>C]AATTATATAGTCTTAACTAGTTTTATATTTTAAAAAAAGGTATAAACATGCCTAGACCAA-3'

ClinVar aggregate classification (germline): Uncertain significance (1 of 4 stars; one submission).

gnomAD v4.1: 1 of 1,200,296 alleles (0.000083%); highest among the groups gnomAD compares: South Asian, 0.0018%; no homozygotes.

Submission:

GeneDx
Classification: Uncertain significance. Last evaluated: 2023-11-08. Review status: criteria provided, single submitter. Criteria: GeneDx Variant Classification Process June 2021. Collection method: clinical testing. Allele origin: germline. Affected: yes.
Comment: Not observed at significant frequency in large population cohorts (gnomAD); Has not been previously published as pathogenic or benign to our knowledge; In silico analysis is inconclusive as to whether the variant alters gene splicing. In the absence of RNA/functional studies, the actual effect of this sequence change is unknown.